The following is an entry in ClinVar:

NM_005566.4(LDHA):c.348C>A (p.Ile116=)

Gene: LDHA (lactate dehydrogenase A; plus strand). Cytogenetic location: 11p15.1.
Variant type: single nucleotide variant.
Coding change: c.348C>A on transcript NM_005566.4 (MANE Select); coding-DNA position 348, C replaced by A.
Protein change: p.Ile116=; no amino-acid change (isoleucine 116 retained).
Molecular consequence: synonymous variant. On other transcripts: non-coding transcript variant (1), intron variant (1).
Genome position (GRCh38, 1-based): chr11:18,400,940, C>A. VCF-style: chr11-18400940-C-A. GRCh37 (hg19) VCF-style: chr11-18422487-C-A.
Other names: c.435C>A, p.Ile145= (NM_001165414.2); c.348C>A, p.Ile116= (NM_001165415.2, NM_001165416.2); c.244+1392C>A (NM_001135239.2).
Identifiers: ClinVar variation 303912 (VCV000303912.20), dbSNP rs6498, ClinGen allele CA5911270.

ClinVar aggregate classification (germline): Benign. Review status: criteria provided, multiple submitters, no conflicts (2 of 4 stars). 6 submissions from 6 submitters: Benign (5). 1 of the submissions does not count toward it. Last evaluated 2026-02-04.

Conditions:
Glycogen storage disease due to lactate dehydrogenase M-subunit deficiency (GSD11). Also called: GSD XI; LACTATE DEHYDROGENASE A DEFICIENCY; Glycogen storage disease XI. Identifiers: Orphanet 284426, MedGen C2931743, MONDO:0013047, OMIM 612933.

Allele frequency attached by ClinVar (database versions not stated): gnomAD 0.12879 and 0.12798; 1000 Genomes Project 30x 0.09478; ESP Exome Variant Server 0.13840; ExAC 0.14419; 1000 Genomes Project 0.09744; TOPMed 0.13110.
gnomAD v4.1: 255,487 of 1,612,268 alleles (16%); highest among the groups gnomAD compares: Middle Eastern, 24%; 21,460 homozygotes.

Submissions (6):

Labcorp Genetics (formerly Invitae), Labcorp
Classification: Benign for Glycogen storage disease due to lactate dehydrogenase M-subunit deficiency. Last evaluated: 2026-02-04. Review status: criteria provided, single submitter. Criteria: Invitae Variant Classification Sherloc (09022015). Collection method: clinical testing. Allele origin: germline.

Genome-Nilou Lab
Classification: Benign for Glycogen storage disease due to lactate dehydrogenase M-subunit deficiency. Last evaluated: 2021-08-19. Review status: criteria provided, single submitter. Criteria: ACMG Guidelines, 2015. Collection method: clinical testing. Allele origin: germline. Affected: no.

Illumina Laboratory Services, Illumina
Classification: Benign for Glycogen storage disease due to lactate dehydrogenase M-subunit deficiency. Last evaluated: 2018-01-12. Review status: criteria provided, single submitter. Criteria: ICSL Variant Classification Criteria 13 December 2019. Collection method: clinical testing. Allele origin: germline.
Comment: This variant was observed in the ICSL laboratory as part of a predisposition screen in an ostensibly healthy population. It had not been previously curated by ICSL or reported in the Human Gene Mutation Database (HGMD: prior to June 1st, 2018), and was therefore a candidate for classification through an automated scoring system. Utilizing variant allele frequency, disease prevalence and penetrance estimates, and inheritance mode, an automated score was calculated to assess if this variant is too frequent to cause the disease. Based on the score and internal cut-off values, a variant classified as benign is not then subjected to further curation. The score for this variant resulted in a classification of benign for this disease.

GeneDx
Classification: Benign. Last evaluated: 2015-12-10. Review status: criteria provided, single submitter. Criteria: GeneDx Variant Classification (06012015). Collection method: clinical testing. Allele origin: germline. Affected: yes.
Comment: This variant is considered likely benign or benign based on one or more of the following criteria: it is a conservative change, it occurs at a poorly conserved position in the protein, it is predicted to be benign by multiple in silico algorithms, and/or has population frequency not consistent with disease.

Breakthrough Genomics
Classification: Benign. Review status: criteria provided, single submitter. Criteria: ACMG Guidelines, 2015. Collection method: not provided. Allele origin: germline. Inheritance: Autosomal recessive inheritance. Affected: yes.

Mayo Clinic Laboratories, Mayo Clinic
Classification: Benign. Last evaluated: 2017-03-23. Review status: no assertion criteria provided. Collection method: clinical testing. Allele origin: unknown. Not counted in ClinVar's aggregate classification.